The following is an entry in ClinVar:

NM_001364905.1(LRBA):c.3370A>G (p.Asn1124Asp)

Gene: LRBA (LPS responsive beige-like anchor protein; minus strand). Cytogenetic location: 4q31.3.
Variant type: single nucleotide variant.
Coding change: c.3370A>G on transcript NM_001364905.1 (MANE Select); coding-DNA position 3370, A replaced by G.
Protein change: p.Asn1124Asp; replaces asparagine 1124 with aspartic acid.
Molecular consequence: missense variant.
Genome position (GRCh38, 1-based): chr4:150,852,340, T>C on the plus strand (A>G on the coding strand, the complement: LRBA is on the minus strand). VCF-style: chr4-150852340-T-C. GRCh37 (hg19) VCF-style: chr4-151773492-T-C.
Other names: c.3370A>G, p.Asn1124Asp (NM_001199282.3, NM_001367550.1, NM_006726.5); short protein forms N1124D.
Identifiers: ClinVar variation 576197 (VCV000576197.7), dbSNP rs149606117, ClinGen allele CA3103055.

ClinVar aggregate classification (germline): Uncertain significance (1 of 4 stars; one submission).

Conditions:
Combined immunodeficiency due to LRBA deficiency. Also called: Common variable immunodeficiency 8, with autoimmunity. Identifiers: Orphanet 445018, MedGen C3553512, MONDO:0013863, OMIM 614700.

Allele frequency attached by ClinVar (database versions not stated): gnomAD exomes below 0.00001; ExAC 0.00001; TOPMed 0.00002; ESP Exome Variant Server 0.00008.
gnomAD v4.1: 7 of 1,613,970 alleles (0.00043%); highest among the groups gnomAD compares: Non-Finnish European, 0.00059%; no homozygotes.

Submission:

Labcorp Genetics (formerly Invitae), Labcorp
Classification: Uncertain significance for Combined immunodeficiency due to LRBA deficiency. Last evaluated: 2024-10-15. Review status: criteria provided, single submitter. Criteria: Invitae Variant Classification Sherloc (09022015). Collection method: clinical testing. Allele origin: germline.
Comment: This sequence change replaces asparagine, which is neutral and polar, with aspartic acid, which is acidic and polar, at codon 1124 of the LRBA protein (p.Asn1124Asp). This variant is present in population databases (rs149606117, gnomAD 0.0009%). This variant has not been reported in the literature in individuals affected with LRBA-related conditions. ClinVar contains an entry for this variant (Variation ID: 576197). Invitae Evidence Modeling of protein sequence and biophysical properties (such as structural, functional, and spatial information, amino acid conservation, physicochemical variation, residue mobility, and thermodynamic stability) indicates that this missense variant is not expected to disrupt LRBA protein function with a negative predictive value of 80%. In summary, the available evidence is currently insufficient to determine the role of this variant in disease. Therefore, it has been classified as a Variant of Uncertain Significance.